The following is an entry in ClinVar:

ClinVar aggregate classification (germline): Uncertain significance. Review status: criteria provided, multiple submitters, no conflicts (2 of 4 stars). 3 submissions from 3 submitters: Uncertain significance (3). Last evaluated 2025-12-29.

Conditions:
Colorectal cancer, hereditary nonpolyposis, type 7. Identifiers: Orphanet 144, MedGen C1858380, MONDO:0013725, OMIM 614385.

Submissions (3):

Center for Genomic Medicine, Rigshospitalet, Copenhagen University Hospital
Classification: Uncertain significance. Last evaluated: 2025-12-29. Review status: criteria provided, single submitter. Criteria: ACMG Guidelines, 2015. Collection method: clinical testing. Allele origin: germline.

Ambry Genetics
Classification: Uncertain significance. Last evaluated: 2024-12-28. Review status: criteria provided, single submitter. Criteria: Ambry Variant Classification Scheme 2023. Collection method: clinical testing. Allele origin: germline.
Comment: The p.T119I variant (also known as c.356C>T), located in coding exon 1 of the MLH3 gene, results from a C to T substitution at nucleotide position 356. The threonine at codon 119 is replaced by isoleucine, an amino acid with similar properties. This amino acid position is conserved. In addition, this alteration is predicted to be deleterious by in silico analysis. Based on the available evidence, the clinical significance of this variant remains unclear.

Labcorp Genetics (formerly Invitae), Labcorp
Classification: Uncertain significance for Colorectal cancer, hereditary nonpolyposis, type 7. Last evaluated: 2022-02-18. Review status: criteria provided, single submitter. Criteria: Invitae Variant Classification Sherloc (09022015). Collection method: clinical testing. Allele origin: germline.
Comment: This sequence change replaces threonine, which is neutral and polar, with isoleucine, which is neutral and non-polar, at codon 119 of the MLH3 protein (p.Thr119Ile). This variant is not present in population databases (gnomAD no frequency). This variant has not been reported in the literature in individuals affected with MLH3-related conditions. Algorithms developed to predict the effect of missense changes on protein structure and function are either unavailable or do not agree on the potential impact of this missense change (SIFT: "Deleterious"; PolyPhen-2: "Probably Damaging"; Align-GVGD: "Class C0"). In summary, the available evidence is currently insufficient to determine the role of this variant in disease. Therefore, it has been classified as a Variant of Uncertain Significance.

NM_001040108.2(MLH3):c.356C>T (p.Thr119Ile)

Gene: MLH3 (mutL homolog 3; minus strand). Cytogenetic location: 14q24.3.
Variant type: single nucleotide variant.
Coding change: c.356C>T on transcript NM_001040108.2 (MANE Select); coding-DNA position 356, C replaced by T.
Protein change: p.Thr119Ile; replaces threonine 119 with isoleucine.
Molecular consequence: missense variant.
Genome position (GRCh38, 1-based): chr14:75,049,300, G>A on the plus strand (C>T on the coding strand, the complement: MLH3 is on the minus strand). VCF-style: chr14-75049300-G-A. GRCh37 (hg19) VCF-style: chr14-75516003-G-A.
Other names: c.356C>T (NM_001040108.1); c.356C>T, p.Thr119Ile (NM_014381.3); short protein forms T119I.
Identifiers: ClinVar variation 1496526 (VCV001496526.10), dbSNP rs2139607474, ClinGen allele CA390450825.